The following is an entry in ClinVar:

NM_000315.4(PTH):c.*319A>G

Gene: PTH (parathyroid hormone; minus strand). Cytogenetic location: 11p15.3.
Variant type: single nucleotide variant.
Coding change: c.*319A>G on transcript NM_000315.4 (MANE Select); 319 bases downstream of the stop codon, A replaced by G.
Molecular consequence: 3 prime UTR variant.
Genome position (GRCh38, 1-based): chr11:13,492,086, T>C on the plus strand (A>G on the coding strand, the complement: PTH is on the minus strand). VCF-style: chr11-13492086-T-C. GRCh37 (hg19) VCF-style: chr11-13513633-T-C.
Other names: c.*319A>G (NM_001316352.2).
Identifiers: ClinVar variation 303700 (VCV000303700.7), dbSNP rs16912873, ClinGen allele CA10630452.

ClinVar aggregate classification (germline): Benign. Review status: criteria provided, multiple submitters, no conflicts (2 of 4 stars). 2 submissions from 2 submitters: Benign (2). Last evaluated 2018-11-12.

Conditions:
Familial hypoparathyroidism. Also called: Familial isolated hypoparathyroidism. Identifiers: Orphanet 2238, MedGen C1832648, MONDO:0016390.

Allele frequency attached by ClinVar (database versions not stated): gnomAD exomes 0.00385; gnomAD 0.03551 and 0.03789; TOPMed 0.03984; 1000 Genomes Project 0.04293; 1000 Genomes Project 30x 0.04403.
gnomAD v4.1: 5,959 of 301,604 alleles (2%); highest among the groups gnomAD compares: African/African-American, 12%; 332 homozygotes.

Submissions (2):

GeneDx
Classification: Benign. Last evaluated: 2018-11-12. Review status: criteria provided, single submitter. Criteria: GeneDx Variant Classification Process June 2021. Collection method: clinical testing. Allele origin: germline. Affected: yes.

Illumina Laboratory Services, Illumina
Classification: Benign for Hypoparathyroidism, familial isolated 1. Last evaluated: 2018-01-13. Review status: criteria provided, single submitter. Criteria: ICSL Variant Classification Criteria 13 December 2019. Collection method: clinical testing. Allele origin: germline.
Comment: This variant was observed in the ICSL laboratory as part of a predisposition screen in an ostensibly healthy population. It had not been previously curated by ICSL or reported in the Human Gene Mutation Database (HGMD: prior to June 1st, 2018), and was therefore a candidate for classification through an automated scoring system. Utilizing variant allele frequency, disease prevalence and penetrance estimates, and inheritance mode, an automated score was calculated to assess if this variant is too frequent to cause the disease. Based on the score and internal cut-off values, a variant classified as benign is not then subjected to further curation. The score for this variant resulted in a classification of benign for this disease.